The following is an entry in ClinVar:

NM_025114.4(CEP290):c.5733G>T (p.Arg1911Ser)

Gene: CEP290 (centrosomal protein 290; minus strand). Cytogenetic location: 12q21.32.
Variant type: single nucleotide variant.
Coding change: c.5733G>T on transcript NM_025114.4 (MANE Select); coding-DNA position 5733, G replaced by T.
Protein change: p.Arg1911Ser; replaces arginine 1911 with serine.
Molecular consequence: missense variant.
Genome position (GRCh38, 1-based): chr12:88,071,903, C>A on the plus strand (G>T on the coding strand, the complement: CEP290 is on the minus strand). VCF-style: chr12-88071903-C-A. GRCh37 (hg19) VCF-style: chr12-88465680-C-A.
Other names: short protein forms R1911S.
Identifiers: ClinVar variation 568142 (VCV000568142.9), dbSNP rs1565813077, ClinGen allele CA385985190.
Genomic context (GRCh38, chr12:88,071,903, plus strand): 5'-CTCTTTTAACTTGTTTCGAATTCCTTCTATTTTGGCTTGCCACTTTTTACCTTCTTCCCA[C>A]CTAATTAATTCTTCTTTAGCATTCTGTAACAATAACGAAGGAGGTAGGAAAATTACCAGT-3'
Protein context (NP_079390.3, residues 1901-1921): KEKNAKEELI[Arg1911Ser]WEEGKKWQAK

ClinVar aggregate classification (germline): Uncertain significance (1 of 4 stars; one submission).

Conditions:
Meckel-Gruber syndrome. Also called: Dysencephalia splachnocystica; DYSENCEPHALIA SPLANCHNOCYSTICA; GRUBER SYNDROME. Identifiers: Orphanet 564, MedGen C0265215, MONDO:0018921.
Nephronophthisis. Also called: Juvenile Nephronophthisis. Identifiers: Orphanet 655, MedGen C0687120, MONDO:0019005, HP:0000090.
Joubert syndrome. Also called: Familial aplasia of the vermis; CEREBELLOPARENCHYMAL DISORDER IV; JOUBERT-BOLTSHAUSER SYNDROME. Identifiers: Orphanet 475, MedGen C5979921, MONDO:0018772.

Allele frequency attached by ClinVar (database versions not stated): gnomAD exomes below 0.00001.
gnomAD v4.1: 2 of 1,598,666 alleles (0.00013%); highest among the groups gnomAD compares: Non-Finnish European, 0.00017%; no homozygotes.

Submission:

Labcorp Genetics (formerly Invitae), Labcorp
Classification: Uncertain significance for Joubert syndrome; Meckel-Gruber syndrome; Nephronophthisis. Last evaluated: 2018-04-11. Review status: criteria provided, single submitter. Criteria: Invitae Variant Classification Sherloc (09022015). Collection method: clinical testing. Allele origin: germline.
Comment: This sequence change replaces arginine with serine at codon 1911 of the CEP290 protein (p.Arg1911Ser). The arginine residue is highly conserved and there is a moderate physicochemical difference between arginine and serine. This variant is not present in population databases (ExAC no frequency). This variant has not been reported in the literature in individuals with CEP290-related disease. Algorithms developed to predict the effect of missense changes on protein structure and function do not agree on the potential impact of this missense change (SIFT: "Tolerated"; PolyPhen-2: "Possibly Damaging"; Align-GVGD: "Class C15"). In summary, the available evidence is currently insufficient to determine the role of this variant in disease. Therefore, it has been classified as a Variant of Uncertain Significance.